The following is an entry in ClinVar:

ClinVar aggregate classification (germline): Uncertain significance (1 of 4 stars; one submission).

Conditions:
T-cell immunodeficiency, congenital alopecia, and nail dystrophy. Also called: Congenital alopecia and nail dystrophy associated with severe functional T-cell immunodeficiency; Pignata Guarino syndrome. Identifiers: Orphanet 169095, MedGen C1866426, MONDO:0011132, OMIM 601705.

Allele frequency attached by ClinVar (database versions not stated): TOPMed 0.00001.
gnomAD v4.1: 5 of 1,613,746 alleles (0.00031%); highest among the groups gnomAD compares: Middle Eastern, 0.016%; no homozygotes.

Submission:

Labcorp Genetics (formerly Invitae), Labcorp
Classification: Uncertain significance for T-cell immunodeficiency, congenital alopecia, and nail dystrophy. Last evaluated: 2022-02-05. Review status: criteria provided, single submitter. Criteria: Invitae Variant Classification Sherloc (09022015). Collection method: clinical testing. Allele origin: germline.
Comment: This sequence change replaces proline, which is neutral and non-polar, with alanine, which is neutral and non-polar, at codon 574 of the FOXN1 protein (p.Pro574Ala). This variant is not present in population databases (gnomAD no frequency). This variant has not been reported in the literature in individuals affected with FOXN1-related conditions. Algorithms developed to predict the effect of missense changes on protein structure and function output the following: SIFT: "Tolerated"; PolyPhen-2: "Benign"; Align-GVGD: "Class C0". The alanine amino acid residue is found in multiple mammalian species, which suggests that this missense change does not adversely affect protein function. Algorithms developed to predict the effect of sequence changes on RNA splicing suggest that this variant may create or strengthen a splice site. In summary, the available evidence is currently insufficient to determine the role of this variant in disease. Therefore, it has been classified as a Variant of Uncertain Significance.

NM_001369369.1(FOXN1):c.1720C>G (p.Pro574Ala)

Gene: FOXN1 (forkhead box N1; plus strand). Cytogenetic location: 17q11.2.
Variant type: single nucleotide variant.
Coding change: c.1720C>G on transcript NM_001369369.1 (MANE Select); coding-DNA position 1720, C replaced by G.
Protein change: p.Pro574Ala; replaces proline 574 with alanine.
Molecular consequence: missense variant.
Genome position (GRCh38, 1-based): chr17:28,537,209, C>G. VCF-style: chr17-28537209-C-G. GRCh37 (hg19) VCF-style: chr17-26864227-C-G.
Other names: c.1720C>G, p.Pro574Ala (NM_003593.3); short protein forms P574A.
Identifiers: ClinVar variation 1483663 (VCV001483663.5), dbSNP rs981106770, ClinGen allele CA289121383.